The following is an entry in ClinVar:

NM_001329943.3(KIAA0586):c.4531C>A (p.Pro1511Thr)

Gene: KIAA0586 (KIAA0586; plus strand). Cytogenetic location: 14q23.1.
Variant type: single nucleotide variant.
Coding change: c.4531C>A on transcript NM_001329943.3 (MANE Select); coding-DNA position 4531, C replaced by A.
Protein change: p.Pro1511Thr; replaces proline 1511 with threonine.
Molecular consequence: missense variant.
Genome position (GRCh38, 1-based): chr14:58,547,816, C>A. VCF-style: chr14-58547816-C-A. GRCh37 (hg19) VCF-style: chr14-59014534-C-A.
Other names: c.4775C>A, p.Ala1592Asp (NM_001244189.2); c.4486C>A, p.Pro1496Thr (NM_001244190.2); c.4276C>A, p.Pro1426Thr (NM_001244191.2, NM_001364701.2); c.4399C>A, p.Pro1467Thr (NM_001244192.2, NM_001329947.2); c.4616C>A, p.Ala1539Asp (NM_001329944.2); c.4210C>A, p.Pro1404Thr (NM_001329945.2); c.4465C>A, p.Pro1489Thr (NM_001329946.2); c.4303C>A, p.Pro1435Thr (NM_014749.5); short protein forms A1539D, A1592D, P1511T, P1404T, P1426T, P1435T, P1467T, P1489T.
Identifiers: ClinVar variation 1361266 (VCV001361266.8), dbSNP rs2140156359, ClinGen allele CA390059317.

ClinVar aggregate classification (germline): Uncertain significance (1 of 4 stars; one submission).

Conditions:
Joubert syndrome 23 (JBTS23). Identifiers: Orphanet 475, MedGen C4084822, MONDO:0014664, OMIM 616490.
Short-rib thoracic dysplasia 14 with polydactyly (SRTD14). Identifiers: Orphanet 397715, MedGen C4225286, MONDO:0014688, OMIM 616546.

Submission:

Labcorp Genetics (formerly Invitae), Labcorp
Classification: Uncertain significance for Joubert syndrome 23; Short-rib thoracic dysplasia 14 with polydactyly. Last evaluated: 2021-06-15. Review status: criteria provided, single submitter. Criteria: Invitae Variant Classification Sherloc (09022015). Collection method: clinical testing. Allele origin: germline.
Comment: This sequence change replaces alanine with aspartic acid at codon 1592 of the KIAA0586 protein (p.Ala1592Asp). The alanine residue is weakly conserved and there is a moderate physicochemical difference between alanine and aspartic acid. In summary, the available evidence is currently insufficient to determine the role of this variant in disease. Therefore, it has been classified as a Variant of Uncertain Significance. Algorithms developed to predict the effect of missense changes on protein structure and function are either unavailable or do not agree on the potential impact of this missense change (SIFT: "Deleterious"; PolyPhen-2: "Possibly Damaging"; Align-GVGD: "Class C0"). This variant has not been reported in the literature in individuals with KIAA0586-related conditions. This variant is not present in population databases (ExAC no frequency).